The following is an entry in ClinVar:

NM_004370.6(COL12A1):c.7519+3A>T

Gene: COL12A1 (collagen type XII alpha 1 chain; minus strand). Cytogenetic location: 6q13.
Variant type: single nucleotide variant.
Coding change: c.7519+3A>T on transcript NM_004370.6 (MANE Select); 3 bases into the intron after coding-DNA position 7519, A replaced by T.
Molecular consequence: intron variant.
Genome position (GRCh38, 1-based): chr6:75,117,379, T>A on the plus strand (A>T on the coding strand, the complement: COL12A1 is on the minus strand). VCF-style: chr6-75117379-T-A. GRCh37 (hg19) VCF-style: chr6-75827095-T-A.
Other names: c.4027+3A>T (NM_001424116.1, NM_080645.3); c.7246+3A>T (NM_001424115.1); c.7498+3A>T (NM_001424114.1); c.7519+3A>T (NM_001424113.1).
Identifiers: ClinVar variation 4786159 (VCV004786159.1).

ClinVar aggregate classification (germline): Uncertain significance (1 of 4 stars; one submission).

Conditions:
Ullrich congenital muscular dystrophy 2 (UCMD2). Identifiers: Orphanet 75840, MedGen C4225314, MONDO:0014654, OMIM 616470.
Bethlem myopathy 2 (BTHLM2). Identifiers: Orphanet 536516, Orphanet 610, MedGen C4225313, MONDO:0034022, OMIM 616471.

Submission:

Labcorp Genetics (formerly Invitae), Labcorp
Classification: Uncertain significance for Bethlem myopathy 2; Ullrich congenital muscular dystrophy 2. Last evaluated: 2025-09-16. Review status: criteria provided, single submitter. Criteria: Invitae Variant Classification Sherloc (09022015). Collection method: clinical testing. Allele origin: germline.
Comment: This sequence change falls in intron 47 of the COL12A1 gene. It does not directly change the encoded amino acid sequence of the COL12A1 protein. It affects a nucleotide within the consensus splice site. This variant is not present in population databases (gnomAD no frequency). This variant has not been reported in the literature in individuals affected with COL12A1-related conditions. Variants that disrupt the consensus splice site are a relatively common cause of aberrant splicing (PMID: 17576681, 9536098). Algorithms developed to predict the effect of sequence changes on RNA splicing suggest that this variant may disrupt the consensus splice site. In summary, the available evidence is currently insufficient to determine the role of this variant in disease. Therefore, it has been classified as a Variant of Uncertain Significance.

Literature cited by the submitters: PubMed 17576681; PubMed 9536098.